The following is an entry in ClinVar:

ClinVar aggregate classification (germline): Benign/Likely benign. Review status: criteria provided, multiple submitters, no conflicts (2 of 4 stars). 2 submissions from 2 submitters: Benign (1); Likely benign (1). Last evaluated 2024-12-27.

Conditions:
Hereditary nonpolyposis colorectal neoplasms. Identifiers: MedGen C0009405, MeSH D003123.
Lynch syndrome 5 (LYNCH5). Also called: Hereditary non-polyposis colorectal cancer, type 5; Colorectal cancer, hereditary nonpolyposis, type 5. Identifiers: Orphanet 144, MedGen C1833477, MONDO:0013710, OMIM 614350. Disease mechanism: loss of function.

Allele frequency attached by ClinVar (database versions not stated): gnomAD 0.00001.
gnomAD v4.1: 1 of 1,614,000 alleles (0.000062%); highest among the groups gnomAD compares: African/African-American, 0.0013%; no homozygotes.

Submissions (2):

Myriad Genetics, Inc.
Classification: Benign for Lynch syndrome 5. Last evaluated: 2024-12-27. Review status: criteria provided, single submitter. Criteria: Myriad Autosomal Dominant, Autosomal Recessive and X-Linked Classification Criteria (2023). Collection method: clinical testing. Allele origin: unknown.
Comment: This variant is considered benign. This variant is a silent/synonymous amino acid change and it is not expected to impact splicing.

Labcorp Genetics (formerly Invitae), Labcorp
Classification: Likely benign for Hereditary nonpolyposis colorectal neoplasms. Last evaluated: 2023-11-22. Review status: criteria provided, single submitter. Criteria: Invitae Variant Classification Sherloc (09022015). Collection method: clinical testing. Allele origin: germline.

NM_000179.3(MSH6):c.1638G>A (p.Glu546=)

Gene: MSH6 (mutS homolog 6; plus strand). Cytogenetic location: 2p16.3.
Variant type: single nucleotide variant.
Coding change: c.1638G>A on transcript NM_000179.3 (MANE Select); coding-DNA position 1638, G replaced by A.
Protein change: p.Glu546=; no amino-acid change (glutamic acid 546 retained).
Molecular consequence: synonymous variant. On other transcripts: non-coding transcript variant (4), intron variant (2).
Genome position (GRCh38, 1-based): chr2:47,799,621, G>A. VCF-style: chr2-47799621-G-A. GRCh37 (hg19) VCF-style: chr2-48026760-G-A.
Other names: c.1248G>A, p.Glu416= (NM_001281492.2); c.732G>A, p.Glu244= (NM_001281493.2, NM_001281494.2, NM_001406811.1 and 6 more transcripts); c.1734G>A, p.Glu578= (NM_001406795.1, NM_001406802.1); c.1638G>A, p.Glu546= (NM_001406796.1, NM_001406798.1, NM_001406800.1 and 3 more transcripts); c.1341G>A, p.Glu447= (NM_001406797.1, NM_001406801.1, NM_001406805.1 and 10 more transcripts); c.1113G>A, p.Glu371= (NM_001406799.1, NM_001406806.1, NM_001406807.1); c.1560G>A, p.Glu520= (NM_001406804.1); c.1644G>A, p.Glu548= (NM_001406813.1); and 3 more.
Identifiers: ClinVar variation 2975291 (VCV002975291.4), dbSNP rs1669356333, ClinGen allele CA426121447.